The following is an entry in ClinVar:

NM_003809.3(TNFSF12):c.101G>C (p.Cys34Ser)

Genes: TNFSF12 (TNF superfamily member 12; plus strand), TNFSF12-TNFSF13 (TNFSF12-TNFSF13 readthrough; plus strand). Cytogenetic location: 17p13.1.
Variant type: single nucleotide variant.
Coding change: c.101G>C on transcript NM_003809.3 (MANE Select); coding-DNA position 101, G replaced by C.
Protein change: p.Cys34Ser; replaces cysteine 34 with serine.
Molecular consequence: missense variant. On other transcripts: non-coding transcript variant (1).
Genome position (GRCh38, 1-based): chr17:7,549,254, G>C. VCF-style: chr17-7549254-G-C. GRCh37 (hg19) VCF-style: chr17-7452571-G-C.
Other names: c.101G>C, p.Cys34Ser (NM_172089.4); short protein forms C34S.
Identifiers: ClinVar variation 3672911 (VCV003672911.2).
Genomic context (GRCh38, chr17:7,549,254, plus strand): 5'-GGGAGCCGGGCACCGCCCTGCTGGTCCCGCTCGCGCTGGGCCTGGGCCTGGCGCTGGCCT[G>C]CCTCGGCCTCCTGCTGGCCGTGGTCAGTTTGGGGAGCCGGGCATCGCTGTCCGCCCAGGT-3'
Protein context (NP_003800.1, residues 24-44): LALGLGLALA[Cys34Ser]LGLLLAVVSL

ClinVar aggregate classification (germline): Uncertain significance (1 of 4 stars; one submission).

Conditions:
Common variable immunodeficiency (CVID). Also called: Common variable hypogamma-globulinemia; Common variable agammaglobulinemia. Identifiers: Orphanet 1572, MedGen C0009447, MONDO:0015517.

Submission:

Labcorp Genetics (formerly Invitae), Labcorp
Classification: Uncertain significance for Common variable immunodeficiency. Last evaluated: 2024-11-21. Review status: criteria provided, single submitter. Criteria: Invitae Variant Classification Sherloc (09022015). Collection method: clinical testing. Allele origin: germline.
Comment: This sequence change replaces cysteine, which is neutral and slightly polar, with serine, which is neutral and polar, at codon 34 of the TNFSF12 protein (p.Cys34Ser). This variant is not present in population databases (gnomAD no frequency). This variant has not been reported in the literature in individuals affected with TNFSF12-related conditions. An algorithm developed to predict the effect of missense changes on protein structure and function (PolyPhen-2) suggests that this variant is likely to be tolerated. In summary, the available evidence is currently insufficient to determine the role of this variant in disease. Therefore, it has been classified as a Variant of Uncertain Significance.